The following is an entry in ClinVar:

ClinVar aggregate classification (germline): Uncertain significance (1 of 4 stars; one submission).

Conditions:
Intellectual developmental disorder, autosomal dominant 6, with or without seizures. Also called: Intellectual disability, autosomal dominant 6; GRIN2B-related developmental delay, intellectual disability and autism spectrum disorder. Identifiers: Orphanet 589547, MedGen C3151411, MONDO:0013509, OMIM 613970.
Developmental and epileptic encephalopathy, 27 (DEE27). Also called: GRIN2B-Related Neurodevelopmental Disorder; Epileptic encephalopathy, early infantile, 27. Identifiers: Orphanet 3451, MedGen C4015316, MONDO:0014505, OMIM 616139.

Submission:

Labcorp Genetics (formerly Invitae), Labcorp
Classification: Uncertain significance for Developmental and epileptic encephalopathy, 27; Intellectual developmental disorder, autosomal dominant 6, with or without seizures. Last evaluated: 2019-01-26. Review status: criteria provided, single submitter. Criteria: Invitae Variant Classification Sherloc (09022015). Collection method: clinical testing. Allele origin: germline.
Comment: This sequence change falls in intron 4 of the GRIN2B gene. It does not directly change the encoded amino acid sequence of the GRIN2B protein, but it affects a nucleotide within the consensus splice site of the intron. This variant is not present in population databases (ExAC no frequency). This variant has not been reported in the literature in individuals with GRIN2B-related conditions. Nucleotide substitutions within the consensus splice site are a relatively common cause of aberrant splicing (PMID: 17576681, 9536098). Algorithms developed to predict the effect of sequence changes on RNA splicing suggest that this variant may disrupt the consensus splice site, but this prediction has not been confirmed by published transcriptional studies. In summary, the available evidence is currently insufficient to determine the role of this variant in disease. Therefore, it has been classified as a Variant of Uncertain Significance.

Literature cited by the submitters: PubMed 17576681; PubMed 9536098.

NM_000834.5(GRIN2B):c.1125+4A>G

Gene: GRIN2B (glutamate ionotropic receptor NMDA type subunit 2B; minus strand). Cytogenetic location: 12p13.1.
Variant type: single nucleotide variant.
Coding change: c.1125+4A>G on transcript NM_000834.5 (MANE Select); 4 bases into the intron after coding-DNA position 1125, A replaced by G.
Molecular consequence: intron variant.
Genome position (GRCh38, 1-based): chr12:13,675,741, T>C on the plus strand (A>G on the coding strand, the complement: GRIN2B is on the minus strand). VCF-style: chr12-13675741-T-C. GRCh37 (hg19) VCF-style: chr12-13828675-T-C.
Identifiers: ClinVar variation 840611 (VCV000840611.8), dbSNP rs1950067723, ClinGen allele CA916083292.